The following is an entry in ClinVar:

ClinVar aggregate classification (germline): Uncertain significance (1 of 4 stars; one submission).

Conditions:
Norman-Roberts syndrome (LIS2). Also called: Lissencephaly 2 (Norman-Roberts type). Identifiers: Orphanet 89844, MedGen C0796089, MONDO:0009760, OMIM 257320.
Familial temporal lobe epilepsy 7. Identifiers: Orphanet 101046, MedGen C4225327, MONDO:0014639, OMIM 616436.

Allele frequency attached by ClinVar (database versions not stated): gnomAD exomes below 0.00001.
gnomAD v4.1: 3 of 1,613,896 alleles (0.00019%); highest among the groups gnomAD compares: Non-Finnish European, 0.00025%; no homozygotes.

Submission:

Labcorp Genetics (formerly Invitae), Labcorp
Classification: Uncertain significance for Familial temporal lobe epilepsy 7; Norman-Roberts syndrome. Last evaluated: 2024-10-24. Review status: criteria provided, single submitter. Criteria: Invitae Variant Classification Sherloc (09022015). Collection method: clinical testing. Allele origin: germline.
Comment: This sequence change replaces phenylalanine, which is neutral and non-polar, with leucine, which is neutral and non-polar, at codon 1666 of the RELN protein (p.Phe1666Leu). This variant is not present in population databases (gnomAD no frequency). This variant has not been reported in the literature in individuals affected with RELN-related conditions. ClinVar contains an entry for this variant (Variation ID: 2078968). Invitae Evidence Modeling of protein sequence and biophysical properties (such as structural, functional, and spatial information, amino acid conservation, physicochemical variation, residue mobility, and thermodynamic stability) indicates that this missense variant is not expected to disrupt RELN protein function with a negative predictive value of 80%. In summary, the available evidence is currently insufficient to determine the role of this variant in disease. Therefore, it has been classified as a Variant of Uncertain Significance.

NM_005045.4(RELN):c.4996T>C (p.Phe1666Leu)

Gene: RELN (reelin; minus strand). Cytogenetic location: 7q22.1.
Variant type: single nucleotide variant.
Coding change: c.4996T>C on transcript NM_005045.4 (MANE Select); coding-DNA position 4996, T replaced by C.
Protein change: p.Phe1666Leu; replaces phenylalanine 1666 with leucine.
Molecular consequence: missense variant.
Genome position (GRCh38, 1-based): chr7:103,565,492, A>G on the plus strand (T>C on the coding strand, the complement: RELN is on the minus strand). VCF-style: chr7-103565492-A-G. GRCh37 (hg19) VCF-style: chr7-103205939-A-G.
Other names: c.4996T>C, p.Phe1666Leu (NM_173054.3); short protein forms F1666L.
Identifiers: ClinVar variation 2078968 (VCV002078968.4), dbSNP rs1259162544, ClinGen allele CA368746583.